The following is an entry in ClinVar:

ClinVar aggregate classification (germline): Conflicting classifications of pathogenicity. Review status: criteria provided, conflicting classifications (1 of 4 stars). 4 submissions from 4 submitters: Uncertain significance (2); Likely benign (1). 1 of the submissions does not count toward it. Last evaluated 2023-03-23.

Conditions:
Hereditary cancer-predisposing syndrome. Also called: Neoplastic Syndromes, Hereditary; Tumor predisposition; Hereditary Cancer Syndrome; Hereditary neoplastic syndrome. Identifiers: Orphanet 140162, MedGen C0027672, MeSH D009386, MONDO:0015356.
Familial cancer of breast. Also called: BREAST CANCER, FAMILIAL; Hereditary breast cancer; hereditary breast carcinoma. Identifiers: Orphanet 227535, MedGen C0346153, MONDO:0016419, OMIM 114480. Disease mechanism: loss of function.
Hereditary breast ovarian cancer syndrome. Also called: Hereditary breast and ovarian cancer; Hereditary breast and ovarian cancer syndrome; Breast and ovarian cancer; Hereditary breast and/or ovarian cancer syndrome; BRCA1- and BRCA2-Associated Hereditary Breast and Ovarian Cancer; Hereditary breast and ovarian cancer syndrome (HBOC). Identifiers: Orphanet 145, MedGen C0677776, MeSH D061325, MONDO:0003582. Disease mechanism: loss of function.

Submissions (4):

University of Washington Department of Laboratory Medicine, University of Washington
Classification: Likely benign for Hereditary cancer-predisposing syndrome. Last evaluated: 2023-03-23. Review status: criteria provided, single submitter. Criteria: Dines et al. (Genet Med. 2020). Collection method: curation. Allele origin: germline.
Comment: Missense variant in a coldspot region where missense variants are very unlikely to be pathogenic (PMID:31911673).

BRCA2 exon 11 coldspot. Reclassification based on statistical prior probability.

Labcorp Genetics (formerly Invitae), Labcorp
Classification: Uncertain significance for Hereditary breast ovarian cancer syndrome. Last evaluated: 2022-06-01. Review status: criteria provided, single submitter. Criteria: Invitae Variant Classification Sherloc (09022015). Collection method: clinical testing. Allele origin: germline.
Comment: In summary, the available evidence is currently insufficient to determine the role of this variant in disease. Therefore, it has been classified as a Variant of Uncertain Significance. Advanced modeling of protein sequence and biophysical properties (such as structural, functional, and spatial information, amino acid conservation, physicochemical variation, residue mobility, and thermodynamic stability) performed at Invitae indicates that this missense variant is not expected to disrupt BRCA2 protein function. This variant has not been reported in the literature in individuals affected with BRCA2-related conditions. This variant is not present in population databases (gnomAD no frequency). This sequence change replaces arginine, which is basic and polar, with isoleucine, which is neutral and non-polar, at codon 645 of the BRCA2 protein (p.Arg645Ile).

Ambry Genetics
Classification: Uncertain significance for Hereditary cancer-predisposing syndrome. Last evaluated: 2020-02-06. Review status: criteria provided, single submitter. Criteria: Ambry Variant Classification Scheme 2023. Collection method: clinical testing. Allele origin: germline.
Comment: The p.R645I variant (also known as c.1934G>T), located in coding exon 10 of the BRCA2 gene, results from a G to T substitution at nucleotide position 1934. The arginine at codon 645 is replaced by isoleucine, an amino acid with similar properties. This amino acid position is not well conserved in available vertebrate species. In addition, this alteration is predicted to be tolerated by in silico analysis. Since supporting evidence is limited at this time, the clinical significance of this alteration remains unclear.

Zotz-Klimas Genetics Lab, MVZ Zotz Klimas
Classification: Uncertain significance for Familial cancer of breast. Last evaluated: 2023-10-30. Review status: no assertion criteria provided. Collection method: clinical testing. Allele origin: germline. Affected: yes. Not counted in ClinVar's aggregate classification.

NM_000059.4(BRCA2):c.1934G>T (p.Arg645Ile)

Gene: BRCA2 (BRCA2 DNA repair associated; plus strand). Cytogenetic location: 13q13.1.
Variant type: single nucleotide variant.
Coding change: c.1934G>T on transcript NM_000059.4 (MANE Select); coding-DNA position 1934, G replaced by T.
Protein change: p.Arg645Ile; replaces arginine 645 with isoleucine.
Molecular consequence: missense variant.
Genome position (GRCh38, 1-based): chr13:32,336,289, G>T. VCF-style: chr13-32336289-G-T. GRCh37 (hg19) VCF-style: chr13-32910426-G-T.
Other names: c.1934G>T, p.Arg645Ile (NM_001406719.1, NM_001406720.1); short protein forms R645I.
Identifiers: ClinVar variation 1782937 (VCV001782937.10), dbSNP rs2137481950, ClinGen allele CA387768324.